The following is an entry in ClinVar:

NM_001267550.2(TTN):c.17669G>C (p.Ser5890Thr)

Genes: TTN (titin; minus strand), LOC126806431 (CDK7 strongly-dependent group 2 enhancer GRCh37_chr2:179595719-179596918; plus strand). Cytogenetic location: 2q31.2.
Variant type: single nucleotide variant.
Coding change: c.17669G>C on transcript NM_001267550.2 (MANE Select); coding-DNA position 17669, G replaced by C.
Protein change: p.Ser5890Thr; replaces serine 5890 with threonine.
Molecular consequence: missense variant. On other transcripts: intron variant (3).
Genome position (GRCh38, 1-based): chr2:178,730,996, C>G on the plus strand (G>C on the coding strand, the complement: TTN is on the minus strand). VCF-style: chr2-178730996-C-G. GRCh37 (hg19) VCF-style: chr2-179595723-C-G.
Other names: c.13937G>C, p.Ser4646Thr (NM_133378.4); c.16718G>C, p.Ser5573Thr (NM_001256850.1); c.13282+7086G>C (NM_003319.4); c.13858+7086G>C (NM_133437.4); c.13657+7086G>C (NM_133432.3); short protein forms S4646T, S5890T, S5573T.
Identifiers: ClinVar variation 229392 (VCV000229392.13), dbSNP rs775293848, ClinGen allele CA2001775.

ClinVar aggregate classification (germline): Uncertain significance. Review status: criteria provided, multiple submitters, no conflicts (2 of 4 stars). 5 submissions from 5 submitters: Uncertain significance (5). Last evaluated 2025-04-01.

Conditions:
TTN-related disorder. Also called: TTN-related disorders; TTN-related condition; TTN-related disease.
Dilated cardiomyopathy 1G (CMD1G). Identifiers: Orphanet 154, MedGen C1858763, MONDO:0011400, OMIM 604145.
Autosomal recessive limb-girdle muscular dystrophy type 2J (LGMDR10). Also called: Limb-girdle muscular dystrophy, type 2J; MUSCULAR DYSTROPHY, LIMB-GIRDLE, AUTOSOMAL RECESSIVE 10. Identifiers: Orphanet 140922, MedGen C1837342, MONDO:0012127, OMIM 608807.
Early-onset myopathy with fatal cardiomyopathy (CMYO5). Also called: CONGENITAL MYOPATHY 5 WITH CARDIOMYOPATHY; Salih Myopathy. Identifiers: Orphanet 289377, MedGen C2673677, MONDO:0012714, OMIM 611705. Disease mechanism: loss of function.
Tibial muscular dystrophy (TMD). Also called: Tibial muscular dystrophy, tardive; Udd Distal Myopathy – Tibial Muscular Dystrophy; UDD MYOPATHY. Identifiers: Orphanet 609, MedGen C1838244, MONDO:0010870, OMIM 600334.
Myopathy, myofibrillar, 9, with early respiratory failure (MFM9). Also called: Myopathy, distal, with early respiratory failure, autosomal dominant; MYOPATHY, PROXIMAL, WITH EARLY RESPIRATORY MUSCLE INVOLVEMENT; Hereditary myopathy with early respiratory failure; EDSTROM MYOPATHY. Identifiers: Orphanet 178464, Orphanet 34521, MedGen C1863599, MONDO:0011362, OMIM 603689.
Hypertrophic cardiomyopathy 9. Also called: Familial hypertrophic cardiomyopathy 9. Identifiers: MedGen C1861065, MONDO:0013412, OMIM 613765.

Allele frequency attached by ClinVar (database versions not stated): gnomAD 0.00001; gnomAD exomes 0.00002 and 0.00004; TOPMed 0.00002; ExAC 0.00005.
gnomAD v4.1: 10 of 1,613,396 alleles (0.00062%); highest among the groups gnomAD compares: Admixed American, 0.017%; no homozygotes.

Submissions (5):

PreventionGenetics, part of Exact Sciences
Classification: Uncertain significance for TTN-related condition. Last evaluated: 2025-04-01. Review status: criteria provided, single submitter. Criteria: ACMG Guidelines, 2015. Collection method: clinical testing. Allele origin: germline.
Comment: The TTN c.17669G>C variant is predicted to result in the amino acid substitution p.Ser5890Thr. To our knowledge, this variant has not been reported in the literature. This variant is reported in 0.026% of alleles in individuals of Latino descent in gnomAD. At this time, the clinical significance of this variant is uncertain due to the absence of conclusive functional and genetic evidence.

Fulgent Genetics
Classification: Uncertain significance for Tibial muscular dystrophy; Myopathy, myofibrillar, 9, with early respiratory failure; Dilated cardiomyopathy 1G; Autosomal recessive limb-girdle muscular dystrophy type 2J; Early-onset myopathy with fatal cardiomyopathy; Hypertrophic cardiomyopathy 9. Last evaluated: 2021-07-05. Review status: criteria provided, single submitter. Criteria: ACMG Guidelines, 2015. Collection method: clinical testing. Allele origin: unknown.

Eurofins Ntd Llc (ga)
Classification: Uncertain significance. Last evaluated: 2018-01-04. Review status: criteria provided, single submitter. Criteria: EGL Classification Definitions 2015. Collection method: clinical testing. Allele origin: germline. Observed: 1 variant allele, 1 heterozygote.

Labcorp Genetics (formerly Invitae), Labcorp
Classification: Uncertain significance for Dilated cardiomyopathy 1G; Autosomal recessive limb-girdle muscular dystrophy type 2J. Last evaluated: 2016-04-10. Review status: criteria provided, single submitter. Criteria: Invitae Variant Classification Sherloc (09022015). Collection method: clinical testing. Allele origin: germline.

Laboratory for Molecular Medicine, Mass General Brigham Personalized Medicine
Classification: Uncertain significance. Last evaluated: 2015-10-01. Review status: criteria provided, single submitter. Criteria: LMM Criteria. Collection method: clinical testing. Allele origin: germline. Observed: 1 variant allele.
Comment: The p.Ser4646Thr variant in TTN has not been previously reported in individuals with cardiomyopathy, but has been identified in 6/11568 of Latino chromosomes by the Exome Aggregation Consortium (ExAC). Comput ational prediction tools and conservation analysis do not provide strong support for or against an impact to the protein. In summary, the clinical significance of the p.Ser4646Thr variant is uncertain.